The following is an entry in ClinVar:

ClinVar aggregate classification (germline): Benign. Review status: criteria provided, multiple submitters, no conflicts (2 of 4 stars). 2 submissions from 2 submitters: Benign (2). Last evaluated 2018-01-13.

Conditions:
Osteopetrosis. Identifiers: Orphanet 2781, MedGen C0029454, MONDO:0017198, HP:0011002.

Allele frequency attached by ClinVar (database versions not stated): gnomAD 0.60882 and 0.60777; TOPMed 0.62450; 1000 Genomes Project 30x 0.65662; 1000 Genomes Project 0.66134; gnomAD exomes 0.67105.
gnomAD v4.1: 92,676 of 152,226 alleles (61%); highest among the groups gnomAD compares: East Asian, 81%; 28,717 homozygotes.

Submissions (2):

Illumina Laboratory Services, Illumina
Classification: Benign for Osteopetrosis. Last evaluated: 2018-01-13. Review status: criteria provided, single submitter. Criteria: ICSL Variant Classification Criteria 13 December 2019. Collection method: clinical testing. Allele origin: germline.
Comment: This variant was observed in the ICSL laboratory as part of a predisposition screen in an ostensibly healthy population. It had not been previously curated by ICSL or reported in the Human Gene Mutation Database (HGMD: prior to June 1st, 2018), and was therefore a candidate for classification through an automated scoring system. Utilizing variant allele frequency, disease prevalence and penetrance estimates, and inheritance mode, an automated score was calculated to assess if this variant is too frequent to cause the disease. Based on the score and internal cut-off values, a variant classified as benign is not then subjected to further curation. The score for this variant resulted in a classification of benign for this disease.

Breakthrough Genomics
Classification: Benign. Review status: criteria provided, single submitter. Criteria: ACMG Guidelines, 2015. Collection method: not provided. Allele origin: germline. Inheritance: Autosomal recessive inheritance. Affected: yes.

NM_001287.6(CLCN7):c.*1626G>C

Gene: CLCN7 (chloride voltage-gated channel 7; minus strand). Cytogenetic location: 16p13.3.
Variant type: single nucleotide variant.
Coding change: c.*1626G>C on transcript NM_001287.6 (MANE Select); 1626 bases downstream of the stop codon, G replaced by C.
Molecular consequence: 3 prime UTR variant.
Genome position (GRCh38, 1-based): chr16:1,445,005, C>G on the plus strand (G>C on the coding strand, the complement: CLCN7 is on the minus strand). VCF-style: chr16-1445005-C-G. GRCh37 (hg19) VCF-style: chr16-1495006-C-G.
Other names: c.*1626G>C (NM_001114331.3).
Identifiers: ClinVar variation 317904 (VCV000317904.6), dbSNP rs8767, ClinGen allele CA10647809.